The following is an entry in ClinVar:

ClinVar aggregate classification (germline): Uncertain significance. Review status: criteria provided, multiple submitters, no conflicts (2 of 4 stars). 4 submissions from 4 submitters: Uncertain significance (4). Last evaluated 2023-12-27.

Conditions:
Cardiovascular phenotype. Identifiers: MedGen CN230736.
Hereditary cancer-predisposing syndrome. Also called: Tumor predisposition; Hereditary neoplastic syndrome; Neoplastic Syndromes, Hereditary; Hereditary Cancer Syndrome. Identifiers: Orphanet 140162, MedGen C0027672, MeSH D009386, MONDO:0015356.
Neurofibromatosis, type 1 (NF1). Also called: VON RECKLINGHAUSEN DISEASE; Neurofibromatosis, type I; Peripheral type neurofibromatosis; NEUROFIBROMATOSIS, TYPE I, SOMATIC. Identifiers: Orphanet 636, MedGen C0027831, MONDO:0018975, OMIM 162200. Disease mechanism: loss of function.
Juvenile myelomonocytic leukemia (JMML). Also called: LEUKEMIA, JUVENILE MYELOMONOCYTIC, SOMATIC. Identifiers: Orphanet 86834, MedGen C0349639, MONDO:0011908, OMIM 607785, HP:0012209.

Submissions (4):

GeneDx
Classification: Uncertain significance. Last evaluated: 2023-12-27. Review status: criteria provided, single submitter. Criteria: GeneDx Variant Classification Process June 2021. Collection method: clinical testing. Allele origin: germline. Affected: yes.
Comment: Not observed at significant frequency in large population cohorts (gnomAD); In silico analysis supports that this missense variant does not alter protein structure/function; Has not been previously published as pathogenic or benign to our knowledge

Baylor Genetics
Classification: Uncertain significance for Juvenile myelomonocytic leukemia. Last evaluated: 2023-08-24. Review status: criteria provided, single submitter. Criteria: ACMG Guidelines, 2015. Collection method: clinical testing. Allele origin: unknown.

Labcorp Genetics (formerly Invitae), Labcorp
Classification: Uncertain significance for Neurofibromatosis, type 1. Last evaluated: 2022-09-19. Review status: criteria provided, single submitter. Criteria: Invitae Variant Classification Sherloc (09022015). Collection method: clinical testing. Allele origin: germline.
Comment: In summary, the available evidence is currently insufficient to determine the role of this variant in disease. Therefore, it has been classified as a Variant of Uncertain Significance. Advanced modeling of protein sequence and biophysical properties (such as structural, functional, and spatial information, amino acid conservation, physicochemical variation, residue mobility, and thermodynamic stability) performed at Invitae indicates that this missense variant is expected to disrupt NF1 protein function. ClinVar contains an entry for this variant (Variation ID: 1519175). This variant has not been reported in the literature in individuals affected with NF1-related conditions. This variant is not present in population databases (gnomAD no frequency). This sequence change replaces isoleucine, which is neutral and non-polar, with methionine, which is neutral and non-polar, at codon 334 of the NF1 protein (p.Ile334Met).

Ambry Genetics
Classification: Uncertain significance for Cardiovascular phenotype; Hereditary cancer-predisposing syndrome. Last evaluated: 2022-02-24. Review status: criteria provided, single submitter. Criteria: Ambry Variant Classification Scheme 2023. Collection method: clinical testing. Allele origin: germline.
Comment: The p.I334M variant (also known as c.1002C>G), located in coding exon 9 of the NF1 gene, results from a C to G substitution at nucleotide position 1002. The isoleucine at codon 334 is replaced by methionine, an amino acid with highly similar properties. This amino acid position is highly conserved in available vertebrate species. In addition, the in silico prediction for this alteration is inconclusive. Since supporting evidence is limited at this time, the clinical significance of this alteration remains unclear.

NM_001042492.3(NF1):c.1002C>G (p.Ile334Met)

Gene: NF1 (neurofibromin 1; plus strand). Cytogenetic location: 17q11.2.
Variant type: single nucleotide variant.
Coding change: c.1002C>G on transcript NM_001042492.3 (MANE Select); coding-DNA position 1002, C replaced by G.
Protein change: p.Ile334Met; replaces isoleucine 334 with methionine.
Molecular consequence: missense variant.
Genome position (GRCh38, 1-based): chr17:31,200,535, C>G. VCF-style: chr17-31200535-C-G. GRCh37 (hg19) VCF-style: chr17-29527553-C-G.
Other names: c.1002C>G, p.Ile334Met (NM_000267.4, NM_001128147.3); short protein forms I334M.
Identifiers: ClinVar variation 1519175 (VCV001519175.12), dbSNP rs2143873647, ClinGen allele CA398996232.